The following is an entry in ClinVar:

ClinVar aggregate classification (germline): Pathogenic (1 of 4 stars; one submission).

Submission:

Labcorp Genetics (formerly Invitae), Labcorp
Classification: Pathogenic. Last evaluated: 2025-04-28. Review status: criteria provided, single submitter. Criteria: Invitae Variant Classification Sherloc (09022015). Collection method: clinical testing. Allele origin: germline.
Comment: This sequence change creates a premature translational stop signal (p.Arg784Lysfs*3) in the KIF11 gene. It is expected to result in an absent or disrupted protein product. Loss-of-function variants in KIF11 are known to be pathogenic (PMID: 22284827, 24281367). This variant is not present in population databases (gnomAD no frequency). This variant has not been reported in the literature in individuals affected with KIF11-related conditions. ClinVar contains an entry for this variant (Variation ID: 1388223). For these reasons, this variant has been classified as Pathogenic.

Literature cited by the submitters: PubMed 22284827; PubMed 24281367.

NM_004523.4(KIF11):c.2351_2352del (p.Arg784fs)

Gene: KIF11 (kinesin family member 11; plus strand). Cytogenetic location: 10q23.33.
Variant type: Deletion.
Coding change: c.2351_2352del on transcript NM_004523.4 (MANE Select); coding-DNA positions 2351 to 2352, 2 bases deleted (GA; older notation c.2351_2352delGA).
Protein change: p.Arg784fs; shifts the reading frame from arginine 784.
Molecular consequence: frameshift variant.
Genome position (GRCh38, 1-based): chr10:92,645,446-92,645,447, GA deleted; deleting any 2 consecutive bases within chr10:92,645,445-92,645,447 gives the same sequence; the c. name uses the placement nearest the transcript's 3' end. VCF-style (leftmost placement, unchanged base first): chr10-92645444-CAG-C. GRCh37 (hg19) VCF-style: chr10-94405201-CAG-C.
Other names: short protein forms R784fs.
Identifiers: ClinVar variation 1388223 (VCV001388223.6), dbSNP rs2135923385, ClinGen allele CA2573145840.
Genomic context (GRCh38, chr10:92,645,444, plus strand): 5'-CAAAATGACTTTTCACAGTCAAAAATTTTGTGCTGATTCTGATGGCTTCTCACAGGAACT[CAG>C]AAATTTTAACCAAGAAGGTACAAAATTGGTTGAAGAATCTGTGAAACACTCTGATAAACT-3'